The following is an entry in ClinVar:

NM_001379500.1(COL18A1):c.3380G>A (p.Arg1127His)

Genes: COL18A1 (collagen type XVIII alpha 1 chain; plus strand), SLC19A1 (solute carrier family 19 member 1; minus strand). Cytogenetic location: 21q22.3.
Variant type: single nucleotide variant.
Coding change: c.3380G>A on transcript NM_001379500.1 (MANE Select); coding-DNA position 3380, G replaced by A.
Protein change: p.Arg1127His; replaces arginine 1127 with histidine.
Molecular consequence: missense variant.
Genome position (GRCh38, 1-based): chr21:45,509,486, G>A. VCF-style: chr21-45509486-G-A. GRCh37 (hg19) VCF-style: chr21-46929400-G-A.
Other names: c.3911G>A, p.Arg1304His (NM_030582.4); c.4616G>A, p.Arg1539His (NM_130444.3); short protein forms R1127H, R1304H, R1539H.
Identifiers: ClinVar variation 1036690 (VCV001036690.7), dbSNP rs370102608, ClinGen allele CA10067873.

ClinVar aggregate classification (germline): Uncertain significance. Review status: criteria provided, single submitter (1 of 4 stars). 3 submissions from 3 submitters: Uncertain significance (1). 2 of the submissions do not count toward it. Last evaluated 2023-12-18.

Allele frequency attached by ClinVar (database versions not stated): gnomAD 0.00001 and 0.00002; TOPMed 0.00003; gnomAD exomes 0.00006; ExAC 0.00007.
gnomAD v4.1: 30 of 1,523,356 alleles (0.002%); highest among the groups gnomAD compares: East Asian, 0.0024%; no homozygotes.

Submissions (3):

Labcorp Genetics (formerly Invitae), Labcorp
Classification: Uncertain significance. Last evaluated: 2023-12-18. Review status: criteria provided, single submitter. Criteria: Invitae Variant Classification Sherloc (09022015). Collection method: clinical testing. Allele origin: germline.
Comment: This sequence change replaces arginine, which is basic and polar, with histidine, which is basic and polar, at codon 1124 of the COL18A1 protein (p.Arg1124His). This variant is present in population databases (rs370102608, gnomAD 0.03%). This variant has not been reported in the literature in individuals affected with COL18A1-related conditions. ClinVar contains an entry for this variant (Variation ID: 1036690). Experimental studies and prediction algorithms are not available or were not evaluated, and the functional significance of this variant is currently unknown. In summary, the available evidence is currently insufficient to determine the role of this variant in disease. Therefore, it has been classified as a Variant of Uncertain Significance.

Clinical Genetics DNA and cytogenetics Diagnostics Lab, Erasmus MC, Erasmus Medical Center
Classification: Likely benign. Review status: no assertion criteria provided. Collection method: clinical testing. Allele origin: germline. Affected: yes. Study: VKGL Data-share Consensus. Not counted in ClinVar's aggregate classification.

Laboratory of Diagnostic Genome Analysis, Leiden University Medical Center (LUMC)
Classification: Likely benign. Review status: no assertion criteria provided. Collection method: clinical testing. Allele origin: germline. Affected: yes. Study: VKGL Data-share Consensus. Not counted in ClinVar's aggregate classification.